The following is an entry in ClinVar:

NM_001206927.2(DNAH8):c.14017C>G (p.Pro4673Ala)

Gene: DNAH8 (dynein axonemal heavy chain 8; plus strand). Cytogenetic location: 6p21.2.
Variant type: single nucleotide variant.
Coding change: c.14017C>G on transcript NM_001206927.2 (MANE Select); coding-DNA position 14017, C replaced by G.
Protein change: p.Pro4673Ala; replaces proline 4673 with alanine.
Molecular consequence: missense variant.
Genome position (GRCh38, 1-based): chr6:39,030,285, C>G. VCF-style: chr6-39030285-C-G. GRCh37 (hg19) VCF-style: chr6-38998061-C-G.
Other names: c.13366C>G, p.Pro4456Ala (NM_001371.4); short protein forms P4673A, P4456A.
Identifiers: ClinVar variation 1037736 (VCV001037736.9), dbSNP rs144993102, ClinGen allele CA3791841.

ClinVar aggregate classification (germline): Uncertain significance (1 of 4 stars; one submission).

Conditions:
Primary ciliary dyskinesia. Also called: Ciliary dyskinesia. Identifiers: Orphanet 244, MedGen C0008780, MONDO:0016575, HP:0012265.

gnomAD v4.1: 2 of 1,614,124 alleles (0.00012%); highest among the groups gnomAD compares: Admixed American, 0.0017%; no homozygotes.

Submission:

Labcorp Genetics (formerly Invitae), Labcorp
Classification: Uncertain significance for Primary ciliary dyskinesia. Last evaluated: 2020-08-04. Review status: criteria provided, single submitter. Criteria: Invitae Variant Classification Sherloc (09022015). Collection method: clinical testing. Allele origin: germline.
Comment: In summary, the available evidence is currently insufficient to determine the role of this variant in disease. Therefore, it has been classified as a Variant of Uncertain Significance. Algorithms developed to predict the effect of missense changes on protein structure and function are either unavailable or do not agree on the potential impact of this missense change (SIFT: "Deleterious"; PolyPhen-2: "Not Available"; Align-GVGD: "Class C0"). This variant has not been reported in the literature in individuals with DNAH8-related conditions. This variant is present in population databases (rs144993102, ExAC 0.001%). This sequence change replaces proline with alanine at codon 4673 of the DNAH8 protein (p.Pro4673Ala). The proline residue is moderately conserved and there is a small physicochemical difference between proline and alanine.